The following is an entry in ClinVar:

ClinVar aggregate classification (germline): Likely benign. Review status: criteria provided, multiple submitters, no conflicts (2 of 4 stars). 4 submissions from 4 submitters: Likely benign (4). Last evaluated 2025-12-17.

Allele frequency attached by ClinVar (database versions not stated): ExAC 0.00002; gnomAD exomes 0.00007; gnomAD 0.00008 and 0.00009; TOPMed 0.00014.
gnomAD v4.1: 105 of 1,613,908 alleles (0.0065%); highest among the groups gnomAD compares: Admixed American, 0.023%; no homozygotes.

Submissions (4):

Labcorp Genetics (formerly Invitae), Labcorp
Classification: Likely benign. Last evaluated: 2025-12-17. Review status: criteria provided, single submitter. Criteria: Invitae Variant Classification Sherloc (09022015). Collection method: clinical testing. Allele origin: germline.

Women's Health and Genetics/Laboratory Corporation of America, LabCorp
Classification: Likely benign. Last evaluated: 2025-12-11. Review status: criteria provided, single submitter. Criteria: LabCorp Variant Classification Summary - May 2015. Collection method: clinical testing. Allele origin: germline.

Blueprint Genetics
Classification: Likely benign. Last evaluated: 2022-12-21. Review status: criteria provided, single submitter. Criteria: ACMG Guidelines, 2015. Collection method: clinical testing. Allele origin: germline.

CeGaT Center for Human Genetics Tuebingen
Classification: Likely benign. Last evaluated: 2022-03-01. Review status: criteria provided, single submitter. Criteria: CeGaT Center For Human Genetics Tuebingen Variant Classification Criteria Version 2. Collection method: clinical testing. Allele origin: germline. Affected: yes. Observed: 1 variant allele.
Comment: COL9A2: BP4, BP7

NM_001852.4(COL9A2):c.444G>A (p.Ser148=)

Gene: COL9A2 (collagen type IX alpha 2 chain; minus strand). Cytogenetic location: 1p34.2.
Variant type: single nucleotide variant.
Coding change: c.444G>A on transcript NM_001852.4 (MANE Select); coding-DNA position 444, G replaced by A.
Protein change: p.Ser148=; no amino-acid change (serine 148 retained).
Molecular consequence: synonymous variant.
Genome position (GRCh38, 1-based): chr1:40,311,689, C>T on the plus strand (G>A on the coding strand, the complement: COL9A2 is on the minus strand). VCF-style: chr1-40311689-C-T. GRCh37 (hg19) VCF-style: chr1-40777361-C-T.
Identifiers: ClinVar variation 754981 (VCV000754981.34), dbSNP rs749975211, ClinGen allele CA791935.